The following is an entry in ClinVar:

ClinVar aggregate classification (germline): Uncertain significance. Review status: criteria provided, multiple submitters, no conflicts (2 of 4 stars). 3 submissions from 3 submitters: Uncertain significance (3). Last evaluated 2025-07-10.

Conditions:
Hereditary cancer-predisposing syndrome. Also called: Neoplastic Syndromes, Hereditary; Hereditary Cancer Syndrome; Tumor predisposition; Hereditary neoplastic syndrome. Identifiers: Orphanet 140162, MedGen C0027672, MeSH D009386, MONDO:0015356.
Multiple endocrine neoplasia, type 1 (MEN1). Also called: MEN I; WERMER SYNDROME; Endocrine adenomatosis multiple; MEN 1; MEA I. Identifiers: Orphanet 652, MedGen C0025267, MeSH D018761, MONDO:0007540, OMIM 131100.

Allele frequency attached by ClinVar (database versions not stated): TOPMed 0.00001.
gnomAD v4.1: 7 of 1,606,356 alleles (0.00044%); highest among the groups gnomAD compares: Non-Finnish European, 0.00059%; no homozygotes.

Submissions (3):

Labcorp Genetics (formerly Invitae), Labcorp
Classification: Uncertain significance for Multiple endocrine neoplasia, type 1. Last evaluated: 2025-07-10. Review status: criteria provided, single submitter. Criteria: Invitae Variant Classification Sherloc (09022015). Collection method: clinical testing. Allele origin: germline.
Comment: This sequence change replaces arginine, which is basic and polar, with tryptophan, which is neutral and slightly polar, at codon 516 of the MEN1 protein (p.Arg516Trp). This variant is present in population databases (rs763160290, gnomAD 0.002%). This missense change has been observed in individual(s) with clinical features of MEN1-related conditions (PMID: 31159747). This variant is also known as c.1561C>T (p.Arg521Trp). ClinVar contains an entry for this variant (Variation ID: 584527). Invitae Evidence Modeling of protein sequence and biophysical properties (such as structural, functional, and spatial information, amino acid conservation, physicochemical variation, residue mobility, and thermodynamic stability) has been performed for this missense variant. However, the output from this modeling did not meet the statistical confidence thresholds required to predict the impact of this variant on MEN1 protein function. In summary, the available evidence is currently insufficient to determine the role of this variant in disease. Therefore, it has been classified as a Variant of Uncertain Significance.

Ambry Genetics
Classification: Uncertain significance for Hereditary cancer-predisposing syndrome. Last evaluated: 2021-05-03. Review status: criteria provided, single submitter. Criteria: Ambry Variant Classification Scheme 2023. Collection method: clinical testing. Allele origin: germline.
Comment: The p.R516W variant (also known as c.1546C>T), located in coding exon 9 of the MEN1 gene, results from a C to T substitution at nucleotide position 1546. The arginine at codon 516 is replaced by tryptophan, an amino acid with dissimilar properties. This amino acid position is highly conserved in available vertebrate species. In addition, the in silico prediction for this alteration is inconclusive. Since supporting evidence is limited at this time, the clinical significance of this alteration remains unclear.

GeneKor MSA
Classification: Uncertain significance for Hereditary cancer-predisposing syndrome. Last evaluated: 2018-08-01. Review status: criteria provided, single submitter. Criteria: ACMG Guidelines, 2015. Collection method: clinical testing. Allele origin: germline. Affected: yes.

Literature cited by the submitters: PubMed 31159747 (cited by Labcorp Genetics (formerly Invitae), Labcorp).

NM_001370259.2(MEN1):c.1546C>T (p.Arg516Trp)

Gene: MEN1 (menin 1; minus strand). Cytogenetic location: 11q13.1.
Variant type: single nucleotide variant.
Coding change: c.1546C>T on transcript NM_001370259.2 (MANE Select); coding-DNA position 1546, C replaced by T.
Protein change: p.Arg516Trp; replaces arginine 516 with tryptophan.
Molecular consequence: missense variant.
Genome position (GRCh38, 1-based): chr11:64,804,621, G>A on the plus strand (C>T on the coding strand, the complement: MEN1 is on the minus strand). VCF-style: chr11-64804621-G-A. GRCh37 (hg19) VCF-style: chr11-64572093-G-A.
Other names: c.1561C>T, p.Arg521Trp (NM_000244.4, NM_130800.3, NM_130801.3 and 3 more transcripts); c.1672C>T, p.Arg558Trp (NM_001370251.2); c.1546C>T, p.Arg516Trp (NM_001370260.2, NM_001370261.2, NM_130799.3); c.1441C>T, p.Arg481Trp (NM_001370262.2, NM_001370263.2); short protein forms R521W, R516W, R481W, R558W.
Identifiers: ClinVar variation 584527 (VCV000584527.11), dbSNP rs763160290, ClinGen allele CA060773.